The following is an entry in ClinVar:

ClinVar aggregate classification (germline): Uncertain significance. Review status: criteria provided, single submitter (1 of 4 stars). 2 submissions from 2 submitters: Uncertain significance (1). 1 of the submissions does not count toward it. Last evaluated 2022-01-05.

Conditions:
Inborn genetic diseases. Identifiers: MedGen C0950123, MeSH D030342.
MYO9A-related disorder. Also called: MYO9A-related condition.

Allele frequency attached by ClinVar (database versions not stated): gnomAD exomes 0.00014; ExAC 0.00027; 1000 Genomes Project 30x 0.00078; 1000 Genomes Project 0.00100; gnomAD 0.00148; TOPMed 0.00155; ESP Exome Variant Server 0.00162.
gnomAD v4.1: 439 of 1,613,806 alleles (0.027%); highest among the groups gnomAD compares: African/African-American, 0.53%; no homozygotes.

Submissions (2):

Ambry Genetics
Classification: Uncertain significance for Inborn genetic diseases. Last evaluated: 2022-01-05. Review status: criteria provided, single submitter. Criteria: Ambry Variant Classification Scheme 2023. Collection method: clinical testing. Allele origin: germline.

PreventionGenetics, part of Exact Sciences
Classification: Likely benign for MYO9A-related condition. Last evaluated: 2023-05-17. Review status: no assertion criteria provided. Collection method: clinical testing. Allele origin: germline. Not counted in ClinVar's aggregate classification.
Comment: This variant is classified as likely benign based on ACMG/AMP sequence variant interpretation guidelines (Richards et al. 2015 PMID: 25741868, with internal and published modifications).

NM_006901.4(MYO9A):c.2136G>A (p.Met712Ile)

Gene: MYO9A (myosin IXA; minus strand). Cytogenetic location: 15q23.
Variant type: single nucleotide variant.
Coding change: c.2136G>A on transcript NM_006901.4 (MANE Select); coding-DNA position 2136, G replaced by A.
Protein change: p.Met712Ile; replaces methionine 712 with isoleucine.
Molecular consequence: missense variant.
Genome position (GRCh38, 1-based): chr15:71,959,947, C>T on the plus strand (G>A on the coding strand, the complement: MYO9A is on the minus strand). VCF-style: chr15-71959947-C-T. GRCh37 (hg19) VCF-style: chr15-72252288-C-T.
Other names: c.2136G>A (NM_006901.3); short protein forms M712I.
Identifiers: ClinVar variation 2398081 (VCV002398081.4), dbSNP rs149612475, ClinGen allele CA7642013.